The following is an entry in ClinVar:

ClinVar aggregate classification (germline): Uncertain significance (1 of 4 stars; one submission).

Submission:

Labcorp Genetics (formerly Invitae), Labcorp
Classification: Uncertain significance. Last evaluated: 2024-03-15. Review status: criteria provided, single submitter. Criteria: Invitae Variant Classification Sherloc (09022015). Collection method: clinical testing. Allele origin: germline.
Comment: This sequence change replaces alanine, which is neutral and non-polar, with threonine, which is neutral and polar, at codon 167 of the GPR88 protein (p.Ala167Thr). This variant is present in population databases (rs745943705, gnomAD 0.03%). This variant has not been reported in the literature in individuals affected with GPR88-related conditions. An algorithm developed to predict the effect of missense changes on protein structure and function (PolyPhen-2) suggests that this variant is likely to be disruptive. In summary, the available evidence is currently insufficient to determine the role of this variant in disease. Therefore, it has been classified as a Variant of Uncertain Significance.

NM_022049.3(GPR88):c.499G>A (p.Ala167Thr)

Gene: GPR88 (G protein-coupled receptor 88; plus strand). Cytogenetic location: 1p21.2.
Variant type: single nucleotide variant.
Coding change: c.499G>A on transcript NM_022049.3 (MANE Select); coding-DNA position 499, G replaced by A.
Protein change: p.Ala167Thr; replaces alanine 167 with threonine.
Molecular consequence: missense variant.
Genome position (GRCh38, 1-based): chr1:100,539,465, G>A. VCF-style: chr1-100539465-G-A. GRCh37 (hg19) VCF-style: chr1-101005021-G-A.
Other names: short protein forms A167T.
Identifiers: ClinVar variation 3617189 (VCV003617189.2).